The following is an entry in ClinVar:

ClinVar aggregate classification (germline): Uncertain significance. Review status: criteria provided, multiple submitters, no conflicts (2 of 4 stars). 3 submissions from 3 submitters: Uncertain significance (3). Last evaluated 2024-03-18.

Conditions:
Autosomal recessive Alport syndrome (ATS2). Also called: Alport syndrome type 2; ALPORT SYNDROME 2, AUTOSOMAL RECESSIVE; COL4A3-Related Nephropathy; COL4A4 Alport Syndrome and Thin Basement Membrane Nephropathy. Identifiers: Orphanet 63, Orphanet 88919, MedGen C4746745, MONDO:0008762, OMIM 203780.
Hematuria, benign familial, 1 (BFH1). Also called: THIN MEMBRANE NEPHROPATHY. Identifiers: MedGen CN376803, MONDO:0007709, OMIM 141200.

Allele frequency attached by ClinVar (database versions not stated): ExAC 0.00001; gnomAD 0.00001; gnomAD exomes 0.00001; TOPMed 0.00001.
gnomAD v4.1: 8 of 1,613,858 alleles (0.0005%); highest among the groups gnomAD compares: Admixed American, 0.012%; no homozygotes.

Submissions (3):

Fulgent Genetics
Classification: Uncertain significance for Hematuria, benign familial, 1; Autosomal recessive Alport syndrome. Last evaluated: 2024-03-18. Review status: criteria provided, single submitter. Criteria: ACMG Guidelines, 2015. Collection method: clinical testing. Allele origin: germline.

Women's Health and Genetics/Laboratory Corporation of America, LabCorp
Classification: Uncertain significance. Last evaluated: 2024-01-11. Review status: criteria provided, single submitter. Criteria: LabCorp Variant Classification Summary - May 2015. Collection method: clinical testing. Allele origin: germline.
Comment: Variant summary: COL4A4 c.3357G>C (p.Arg1119Ser) results in a non-conservative amino acid change in the encoded protein sequence. Four of five in-silico tools predict a benign effect of the variant on protein function. The variant allele was found at a frequency of 1.6e-05 in 249090 control chromosomes. The available data on variant occurrences in the general population are insufficient to allow any conclusion about variant significance. To our knowledge, no occurrence of c.3357G>C in individuals affected with Alport Syndrome, Autosomal Recessive and no experimental evidence demonstrating its impact on protein function have been reported. ClinVar contains an entry for this variant (Variation ID: 2572818, VUS). Based on the evidence outlined above, the variant was classified as uncertain significance.

GeneDx
Classification: Uncertain significance. Last evaluated: 2023-01-12. Review status: criteria provided, single submitter. Criteria: GeneDx Variant Classification Process June 2021. Collection method: clinical testing. Allele origin: germline. Affected: yes.
Comment: In silico analysis supports that this missense variant does not alter protein structure/function; Occurs in the triple helical domain at the X position in the canonical Gly-X-Y repeat; although this variant may have an effect on normal protein folding and function, missense substitution at the X position is not a common mechanism of disease; Has not been previously published as pathogenic or benign to our knowledge

NM_000092.5(COL4A4):c.3357G>C (p.Arg1119Ser)

Gene: COL4A4 (collagen type IV alpha 4 chain; minus strand). Cytogenetic location: 2q36.3.
Variant type: single nucleotide variant.
Coding change: c.3357G>C on transcript NM_000092.5 (MANE Select); coding-DNA position 3357, G replaced by C.
Protein change: p.Arg1119Ser; replaces arginine 1119 with serine.
Molecular consequence: missense variant.
Genome position (GRCh38, 1-based): chr2:227,043,117, C>G on the plus strand (G>C on the coding strand, the complement: COL4A4 is on the minus strand). VCF-style: chr2-227043117-C-G. GRCh37 (hg19) VCF-style: chr2-227907833-C-G.
Other names: short protein forms R1119S.
Identifiers: ClinVar variation 2572818 (VCV002572818.3), dbSNP rs754697085, ClinGen allele CA2144555.